The following is an entry in ClinVar:

ClinVar aggregate classification (germline): Uncertain significance. Review status: criteria provided, multiple submitters, no conflicts (2 of 4 stars). 4 submissions from 4 submitters: Uncertain significance (4). Last evaluated 2025-12-22.

Conditions:
Aortic aneurysm, familial thoracic 8 (AAT8). Identifiers: MedGen C3809513, MONDO:0014187, OMIM 615436.
Familial thoracic aortic aneurysm and aortic dissection (TAAD). Also called: Thoracic aortic aneurysms and dissections. Identifiers: Orphanet 91387, MedGen C4707243, MONDO:0019625.

Allele frequency attached by ClinVar (database versions not stated): TOPMed 0.00003; gnomAD exomes 0.00001; ExAC 0.00001; gnomAD 0.00002.
gnomAD v4.1: 22 of 1,611,448 alleles (0.0014%); highest among the groups gnomAD compares: Non-Finnish European, 0.0018%; no homozygotes.

Submissions (4):

Ambry Genetics
Classification: Uncertain significance for Familial thoracic aortic aneurysm and aortic dissection. Last evaluated: 2025-12-22. Review status: criteria provided, single submitter. Criteria: Ambry Variant Classification Scheme 2023. Collection method: clinical testing. Allele origin: germline.
Comment: The p.G681A variant (also known as c.2042G>C), located in coding exon 18 of the PRKG1 gene, results from a G to C substitution at nucleotide position 2042. The glycine at codon 681 is replaced by alanine, an amino acid with similar properties. This variant was reported in an individual with aortic dissection (Guo DC et al. Am J Hum Genet, 2013 Aug;93:398-404). Note, this variant is also referred to as p.G666A in the literature. This amino acid position is highly conserved in available vertebrate species. In addition, the in silico prediction for this alteration is inconclusive. Based on the available evidence, the clinical significance of this variant remains unclear.

GeneDx
Classification: Uncertain significance. Last evaluated: 2024-12-10. Review status: criteria provided, single submitter. Criteria: GeneDx Variant Classification Process June 2021. Collection method: clinical testing. Allele origin: germline. Affected: yes.
Comment: Identified in one individual with aortic dissection in published literature; this variant was maternally inherited and also identified in several unaffected maternal relatives (PMID: 23910461); Not observed at significant frequency in large population cohorts (gnomAD); In silico analysis supports that this missense variant has a deleterious effect on protein structure/function; This variant is associated with the following publications: (PMID: 23910461)

Labcorp Genetics (formerly Invitae), Labcorp
Classification: Uncertain significance for Aortic aneurysm, familial thoracic 8. Last evaluated: 2024-01-04. Review status: criteria provided, single submitter. Criteria: Invitae Variant Classification Sherloc (09022015). Collection method: clinical testing. Allele origin: germline.
Comment: This sequence change replaces glycine, which is neutral and non-polar, with alanine, which is neutral and non-polar, at codon 681 of the PRKG1 protein (p.Gly681Ala). This variant is present in population databases (rs750949508, gnomAD 0.002%). This missense change has been observed in individual(s) with thoracic aortic aneurysm and dissection (PMID: 23910461). This variant is also known as c.1997G>C (p.Gly666Ala). ClinVar contains an entry for this variant (Variation ID: 210009). An algorithm developed to predict the effect of missense changes on protein structure and function (PolyPhen-2) suggests that this variant is likely to be disruptive. Experimental studies have shown that this missense change does not substantially affect PRKG1 function (PMID: 23910461). In summary, the available evidence is currently insufficient to determine the role of this variant in disease. Therefore, it has been classified as a Variant of Uncertain Significance.

Department of Internal Medicine, University of Texas Health Science Center at Houston
Classification: Uncertain significance for Aortic aneurysm, familial thoracic 8. Last evaluated: 2014-01-17. Review status: criteria provided, single submitter. Criteria: Submitter's publication. Collection method: research. Allele origin: germline. Affected: yes.

Literature cited by the submitters: PubMed 23910461 (cited by Ambry Genetics and Labcorp Genetics (formerly Invitae), Labcorp).

NM_006258.4(PRKG1):c.2042G>C (p.Gly681Ala)

Gene: PRKG1 (protein kinase cGMP-dependent 1; plus strand). Cytogenetic location: 10q21.1.
Variant type: single nucleotide variant.
Coding change: c.2042G>C on transcript NM_006258.4 (MANE Select); coding-DNA position 2042, G replaced by C.
Protein change: p.Gly681Ala; replaces glycine 681 with alanine.
Molecular consequence: missense variant.
Genome position (GRCh38, 1-based): chr10:52,293,881, G>C. VCF-style: chr10-52293881-G-C. GRCh37 (hg19) VCF-style: chr10-54053641-G-C.
Other names: c.2042G>C, p.Gly681Ala (LRG_1135t1); c.1997G>C, p.Gly666Ala (LRG_1135t2, NM_001098512.3); short protein forms G666A, G681A.
Identifiers: ClinVar variation 210009 (VCV000210009.6), dbSNP rs750949508, ClinGen allele CA205027.
Genomic context (GRCh38, chr10:52,293,881, plus strand): 5'-CAAGTAATTTTGACAGTTTCCCTGAGGACAACGATGAACCACCACCTGATGACAACTCAG[G>C]ATGGGATATAGACTTCTAATGTATTTCTCTTACCTGCTTCTGCCTTGCTGAAGACAGCTT-3'
Protein context (NP_006249.1, residues 671-686): NDEPPPDDNS[Gly681Ala]WDIDF